The following is an entry in ClinVar:

ClinVar aggregate classification (germline): Uncertain significance (1 of 4 stars; one submission).

Conditions:
Hereditary cancer-predisposing syndrome. Also called: Hereditary Cancer Syndrome; Tumor predisposition; Neoplastic Syndromes, Hereditary; Hereditary neoplastic syndrome. Identifiers: Orphanet 140162, MedGen C0027672, MeSH D009386, MONDO:0015356.

Submission:

Ambry Genetics
Classification: Uncertain significance for Hereditary cancer-predisposing syndrome. Last evaluated: 2025-12-15. Review status: criteria provided, single submitter. Criteria: Ambry Variant Classification Scheme 2023. Collection method: clinical testing. Allele origin: germline.
Comment: The p.F1286L variant (also known as c.3858C>A), located in coding exon 25 of the RAD50 gene, results from a C to A substitution at nucleotide position 3858. The phenylalanine at codon 1286 is replaced by leucine, an amino acid with highly similar properties. This amino acid position is highly conserved in available vertebrate species. In addition, the in silico prediction for this alteration is inconclusive. Since supporting evidence is limited at this time, the clinical significance of this alteration remains unclear.

NM_005732.4(RAD50):c.3858C>A (p.Phe1286Leu)

Genes: RAD50 (RAD50 double strand break repair protein; plus strand), TH2LCRR (T helper type 2 locus control region associated RNA; minus strand). Cytogenetic location: 5q31.1.
Variant type: single nucleotide variant.
Coding change: c.3858C>A on transcript NM_005732.4 (MANE Select); coding-DNA position 3858, C replaced by A.
Protein change: p.Phe1286Leu; replaces phenylalanine 1286 with leucine.
Molecular consequence: missense variant.
Genome position (GRCh38, 1-based): chr5:132,642,283, C>A. VCF-style: chr5-132642283-C-A. GRCh37 (hg19) VCF-style: chr5-131977975-C-A.
Other names: short protein forms F1286L.
Identifiers: ClinVar variation 824310 (VCV000824310.5), dbSNP rs1581025102, ClinGen allele CA360936966.